The following is an entry in ClinVar:

NM_001244008.2(KIF1A):c.3100C>T (p.Arg1034Cys)

Gene: KIF1A (kinesin family member 1A; minus strand). Cytogenetic location: 2q37.3.
Variant type: single nucleotide variant.
Coding change: c.3100C>T on transcript NM_001244008.2 (MANE Select); coding-DNA position 3100, C replaced by T.
Protein change: p.Arg1034Cys; replaces arginine 1034 with cysteine.
Molecular consequence: missense variant.
Genome position (GRCh38, 1-based): chr2:240,746,141, G>A on the plus strand (C>T on the coding strand, the complement: KIF1A is on the minus strand). VCF-style: chr2-240746141-G-A. GRCh37 (hg19) VCF-style: chr2-241685558-G-A.
Other names: c.2824C>T, p.Arg942Cys (NM_001320705.2, NM_001330289.2, NM_001379638.1); c.2899C>T, p.Arg967Cys (NM_001330290.2, NM_001379634.1, NM_001379635.1 and 1 more transcripts); c.3175C>T, p.Arg1059Cys (NM_001379631.1); c.3049C>T, p.Arg1017Cys (NM_001379632.1); c.3073C>T, p.Arg1025Cys (NM_001379633.1, NM_001379642.1, NM_001379645.1); c.2797C>T, p.Arg933Cys (NM_001379636.1, NM_001379639.1, NM_001379640.1 and 6 more transcripts); c.2872C>T, p.Arg958Cys (NM_001379637.1, NM_001379648.1); short protein forms R1017C, R1025C, R1034C, R1059C, R933C, R942C, R958C, R967C.
Identifiers: ClinVar variation 1314196 (VCV001314196.7), dbSNP rs1036143999, ClinGen allele CA68157532.

ClinVar aggregate classification (germline): Conflicting classifications of pathogenicity. Review status: criteria provided, conflicting classifications (1 of 4 stars). 2 submissions from 2 submitters: Uncertain significance (1); Likely benign (1). Last evaluated 2023-07-20.

Conditions:
Neuropathy, hereditary sensory, type 2C. Also called: KIF1A-Related HSAN2 (HSAN2C); Hereditary sensory and autonomic neuropathy type IIC. Identifiers: Orphanet 970, MedGen C3280168, MONDO:0013634, OMIM 614213.
Intellectual disability, autosomal dominant 9 (NESCAVS). Also called: KIF1A-Related Neurodevelopmental Disorder; NESCAV SYNDROME. Identifiers: Orphanet 662367, MedGen C5393830, MONDO:0013656, OMIM 614255.
Hereditary spastic paraplegia 30. Identifiers: Orphanet 101010, MedGen C5235139, MONDO:0012476.

Allele frequency attached by ClinVar (database versions not stated): gnomAD 0.00001; gnomAD exomes 0.00001 and 0.00002; TOPMed 0.00001.
gnomAD v4.1: 8 of 1,569,050 alleles (0.00051%); highest among the groups gnomAD compares: South Asian, 0.0059%; no homozygotes.

Submissions (2):

Labcorp Genetics (formerly Invitae), Labcorp
Classification: Likely benign for Hereditary spastic paraplegia 30; Neuropathy, hereditary sensory, type 2C; Intellectual disability, autosomal dominant 9. Last evaluated: 2023-07-20. Review status: criteria provided, single submitter. Criteria: Invitae Variant Classification Sherloc (09022015). Collection method: clinical testing. Allele origin: germline.

GeneDx
Classification: Uncertain significance. Last evaluated: 2021-03-16. Review status: criteria provided, single submitter. Criteria: GeneDx Variant Classification Process June 2021. Collection method: clinical testing. Allele origin: germline. Affected: yes.
Comment: In silico analysis supports that this missense variant has a deleterious effect on protein structure/function; Has not been previously published as pathogenic or benign to our knowledge